The following is an entry in ClinVar:

NM_021076.4(NEFH):c.1150_1160del (p.Glu384fs)

Gene: NEFH (neurofilament heavy chain; plus strand). Cytogenetic location: 22q12.2.
Variant type: Deletion.
Coding change: c.1150_1160del on transcript NM_021076.4 (MANE Select); coding-DNA positions 1150 to 1160, 11 bases deleted (GAATACCAGGA).
Protein change: p.Glu384fs; shifts the reading frame from glutamic acid 384.
Molecular consequence: frameshift variant.
Genome position (GRCh38, 1-based): chr22:29,485,789-29,485,799, GAATACCAGGA deleted; deleting any 11 consecutive bases within chr22:29,485,787-29,485,799 gives the same sequence; the c. name uses the placement nearest the transcript's 3' end. VCF-style (leftmost placement, unchanged base first): chr22-29485786-CGAGAATACCAG-C. GRCh37 (hg19) VCF-style: chr22-29881775-CGAGAATACCAG-C.
Other names: short protein forms E384fs.
Identifiers: ClinVar variation 1407281 (VCV001407281.6), dbSNP rs1422639874, ClinGen allele CA752285221.
Genomic context (GRCh38, chr22:29,485,786, plus strand): 5'-GCCATTCAGCAGCTGGACGCTGAGCTGAGGAACACCAAGTGGGAGATGGCCGCCCAGCTG[CGAGAATACCAG>C]GACCTGCTCAATGTCAAGATGGCTCTGGATATAGAGATAGCCGCTTACAGGTGAGACGCA-3'

ClinVar aggregate classification (germline): Uncertain significance (1 of 4 stars; one submission).

Submission:

Labcorp Genetics (formerly Invitae), Labcorp
Classification: Uncertain significance. Last evaluated: 2021-09-26. Review status: criteria provided, single submitter. Criteria: Invitae Variant Classification Sherloc (09022015). Collection method: clinical testing. Allele origin: germline.
Comment: In summary, the available evidence is currently insufficient to determine the role of this variant in disease. Therefore, it has been classified as a Variant of Uncertain Significance. Experimental studies and prediction algorithms are not available or were not evaluated, and the functional significance of this variant is currently unknown. This variant has not been reported in the literature in individuals affected with NEFH-related conditions. This variant is not present in population databases (ExAC no frequency). This sequence change creates a premature translational stop signal (p.Glu384Profs*22) in the NEFH gene. While this is not anticipated to result in nonsense mediated decay, it is expected to disrupt the last 637 amino acid(s) of the NEFH protein.